The following is an entry in ClinVar:

ClinVar aggregate classification (germline): Uncertain significance (1 of 4 stars; one submission).

Allele frequency attached by ClinVar (database versions not stated): TOPMed 0.00001.
gnomAD v4.1: 1 of 1,551,066 alleles (0.000064%); no homozygotes.

Submission:

GeneDx
Classification: Uncertain significance. Last evaluated: 2023-02-15. Review status: criteria provided, single submitter. Criteria: GeneDx Variant Classification Process June 2021. Collection method: clinical testing. Allele origin: germline. Affected: yes.
Comment: Not observed at significant frequency in large population cohorts (gnomAD); In silico analysis supports that this missense variant has a deleterious effect on protein structure/function; Has not been previously published as pathogenic or benign to our knowledge

NM_002816.5(PSMD12):c.1177C>T (p.Leu393Phe)

Gene: PSMD12 (proteasome 26S subunit, non-ATPase 12; minus strand). Cytogenetic location: 17q24.2.
Variant type: single nucleotide variant.
Coding change: c.1177C>T on transcript NM_002816.5 (MANE Select); coding-DNA position 1177, C replaced by T.
Protein change: p.Leu393Phe; replaces leucine 393 with phenylalanine.
Molecular consequence: missense variant.
Genome position (GRCh38, 1-based): chr17:67,341,037, G>A on the plus strand (C>T on the coding strand, the complement: PSMD12 is on the minus strand). VCF-style: chr17-67341037-G-A. GRCh37 (hg19) VCF-style: chr17-65337153-G-A.
Other names: c.1000C>T, p.Leu334Phe (NM_001316341.2); c.1117C>T, p.Leu373Phe (NM_174871.4); short protein forms L334F, L373F, L393F.
Identifiers: ClinVar variation 2576837 (VCV002576837.1), dbSNP rs1309196349, ClinGen allele CA400803523.